The following is an entry in ClinVar:

NM_012470.4(TNPO3):c.1637G>A (p.Arg546His)

Gene: TNPO3 (transportin 3; minus strand). Cytogenetic location: 7q32.1.
Variant type: single nucleotide variant.
Coding change: c.1637G>A on transcript NM_012470.4 (MANE Select); coding-DNA position 1637, G replaced by A.
Protein change: p.Arg546His; replaces arginine 546 with histidine.
Molecular consequence: missense variant. On other transcripts: non-coding transcript variant (18), intron variant (2).
Genome position (GRCh38, 1-based): chr7:128,986,782, C>T on the plus strand (G>A on the coding strand, the complement: TNPO3 is on the minus strand). VCF-style: chr7-128986782-C-T. GRCh37 (hg19) VCF-style: chr7-128626836-C-T.
Other names: c.1739G>A, p.Arg580His (NM_001382216.1); c.1718G>A, p.Arg573His (NM_001382217.1); c.1637G>A, p.Arg546His (NM_001382218.1, NM_001382220.1); c.1529G>A, p.Arg510His (NM_001382219.1); c.1493G>A, p.Arg498His (NM_001382221.1); c.1490G>A, p.Arg497His (NM_001382222.1); c.1499-2523G>A (NM_001382223.1, NM_001191028.3); c.1637G>A (NM_012470.3); short protein forms R498H, R510H, R580H, R546H, R573H, R497H.
Identifiers: ClinVar variation 1365029 (VCV001365029.7), dbSNP rs143136370, ClinGen allele CA4478094.

ClinVar aggregate classification (germline): Uncertain significance. Review status: criteria provided, multiple submitters, no conflicts (2 of 4 stars). 2 submissions from 2 submitters: Uncertain significance (2). Last evaluated 2025-08-05.

Conditions:
Autosomal dominant limb-girdle muscular dystrophy type 1F (LGMDD2). Also called: Limb-girdle muscular dystrophy, type 1F; MUSCULAR DYSTROPHY, LIMB-GIRDLE, AUTOSOMAL DOMINANT 2. Identifiers: Orphanet 55595, MedGen C1842062, MONDO:0012034, OMIM 608423.
Inborn genetic diseases. Identifiers: MedGen C0950123, MeSH D030342.

Allele frequency attached by ClinVar (database versions not stated): gnomAD exomes 0.00002 and 0.00003; gnomAD 0.00003 and 0.00005; ExAC 0.00006; ESP Exome Variant Server 0.00008; TOPMed 0.00008; 1000 Genomes Project 30x 0.00047; 1000 Genomes Project 0.00060.
gnomAD v4.1: 30 of 1,613,886 alleles (0.0019%); highest among the groups gnomAD compares: South Asian, 0.015%; no homozygotes.

Submissions (2):

Ambry Genetics
Classification: Uncertain significance for Inborn genetic diseases. Last evaluated: 2025-08-05. Review status: criteria provided, single submitter. Criteria: Ambry Variant Classification Scheme 2023. Collection method: clinical testing. Allele origin: germline.

Labcorp Genetics (formerly Invitae), Labcorp
Classification: Uncertain significance for Autosomal dominant limb-girdle muscular dystrophy type 1F. Last evaluated: 2025-07-23. Review status: criteria provided, single submitter. Criteria: Invitae Variant Classification Sherloc (09022015). Collection method: clinical testing. Allele origin: germline.
Comment: This sequence change replaces arginine, which is basic and polar, with histidine, which is basic and polar, at codon 546 of the TNPO3 protein (p.Arg546His). This variant is present in population databases (rs143136370, gnomAD 0.02%). This variant has not been reported in the literature in individuals affected with TNPO3-related conditions. ClinVar contains an entry for this variant (Variation ID: 1365029). Invitae Evidence Modeling of protein sequence and biophysical properties (such as structural, functional, and spatial information, amino acid conservation, physicochemical variation, residue mobility, and thermodynamic stability) indicates that this missense variant is not expected to disrupt TNPO3 protein function with a negative predictive value of 80%. In summary, the available evidence is currently insufficient to determine the role of this variant in disease. Therefore, it has been classified as a Variant of Uncertain Significance.